The following is an entry in ClinVar:

NM_053025.4(MYLK):c.4098C>A (p.Tyr1366Ter)

Gene: MYLK (myosin light chain kinase; minus strand). Cytogenetic location: 3q21.1.
Variant type: single nucleotide variant.
Coding change: c.4098C>A on transcript NM_053025.4 (MANE Select); coding-DNA position 4098, C replaced by A.
Protein change: p.Tyr1366Ter; replaces tyrosine 1366 with a stop codon.
Molecular consequence: nonsense.
Genome position (GRCh38, 1-based): chr3:123,657,316, G>T on the plus strand (C>A on the coding strand, the complement: MYLK is on the minus strand). VCF-style: chr3-123657316-G-T. GRCh37 (hg19) VCF-style: chr3-123376163-G-T.
Other names: c.4098C>A, p.Tyr1366Ter (NM_053027.4); c.3891C>A, p.Tyr1297Ter (NM_053028.4, NM_053026.4); c.3570C>A, p.Tyr1190Ter (NM_001321309.2); short protein forms Y1190*, Y1366*, Y1297*.
Identifiers: ClinVar variation 4729033 (VCV004729033.1).

ClinVar aggregate classification (germline): Pathogenic (1 of 4 stars; one submission).

Conditions:
Aortic aneurysm, familial thoracic 7 (AAT7). Also called: AORTIC DISSECTION, FAMILIAL, WITH OR WITHOUT AORTIC ANEURYSM. Identifiers: MedGen C3151077, MONDO:0013418, OMIM 613780.

Submission:

Labcorp Genetics (formerly Invitae), Labcorp
Classification: Pathogenic for Aortic aneurysm, familial thoracic 7. Last evaluated: 2025-10-12. Review status: criteria provided, single submitter. Criteria: Invitae Variant Classification Sherloc (09022015). Collection method: clinical testing. Allele origin: germline.
Comment: This sequence change creates a premature translational stop signal (p.Tyr1366*) in the MYLK gene. This variant occurs within the aortic-specific isoform of MYLK. Loss-of-function variants in the aortic-specific isoform of MYLK are known to be pathogenic for thoracic aortic dissections (PMID: 21055718). This variant is not present in population databases (gnomAD no frequency). This variant has not been reported in the literature in individuals affected with MYLK-related conditions. For these reasons, this variant has been classified as Pathogenic.

Literature cited by the submitters: PubMed 21055718.